The following is an entry in ClinVar:

ClinVar aggregate classification (germline): Uncertain significance (1 of 4 stars; one submission).

Conditions:
Hereditary cancer-predisposing syndrome. Also called: Neoplastic Syndromes, Hereditary; Tumor predisposition; Hereditary Cancer Syndrome; Hereditary neoplastic syndrome. Identifiers: Orphanet 140162, MedGen C0027672, MeSH D009386, MONDO:0015356.

Submission:

Ambry Genetics
Classification: Uncertain significance for Hereditary cancer-predisposing syndrome. Last evaluated: 2026-05-19. Review status: criteria provided, single submitter. Criteria: Ambry Variant Classification Scheme 2023. Collection method: clinical testing. Allele origin: germline.
Comment: The p.K908R variant (also known as c.2723A>G), located in coding exon 7 of the PALB2 gene, results from an A to G substitution at nucleotide position 2723. The lysine at codon 908 is replaced by arginine, an amino acid with highly similar properties. This amino acid position is conserved. In addition, this alteration is predicted to be tolerated by in silico analysis. Based on the available evidence, the clinical significance of this variant remains unclear.

NM_024675.4(PALB2):c.2723A>G (p.Lys908Arg)

Gene: PALB2 (partner and localizer of BRCA2; minus strand). Cytogenetic location: 16p12.2.
Variant type: single nucleotide variant.
Coding change: c.2723A>G on transcript NM_024675.4 (MANE Select); coding-DNA position 2723, A replaced by G.
Protein change: p.Lys908Arg; replaces lysine 908 with arginine.
Molecular consequence: missense variant. On other transcripts: intron variant (3).
Genome position (GRCh38, 1-based): chr16:23,626,261, T>C on the plus strand (A>G on the coding strand, the complement: PALB2 is on the minus strand). VCF-style: chr16-23626261-T-C. GRCh37 (hg19) VCF-style: chr16-23637582-T-C.
Other names: c.2663A>G, p.Lys888Arg (NM_001407296.1); c.2651A>G, p.Lys884Arg (NM_001407297.1); c.2723A>G, p.Lys908Arg (NM_001407299.1, NM_001407300.1, NM_001407301.1); c.1838A>G, p.Lys613Arg (NM_001407304.1, NM_001407305.1, NM_001407306.1 and 4 more transcripts); c.935A>G, p.Lys312Arg (NM_001407312.1, NM_001407313.1); c.257A>G, p.Lys86Arg (NM_001407314.1); c.2587-2167A>G (NM_001407302.1, NM_001407298.1); c.1702-2167A>G (NM_001407307.1); short protein forms K312R, K613R, K86R, K884R, K888R, K908R.
Identifiers: ClinVar variation 4861505 (VCV004861505.1).